The following is an entry in ClinVar:

ClinVar aggregate classification (germline): Uncertain significance (1 of 4 stars; one submission).

Conditions:
Epilepsy, idiopathic generalized, susceptibility to, 17 (EIG17). Identifiers: MedGen C5561931, MONDO:0100519, OMIM 602477.

gnomAD v4.1: 5 of 1,612,736 alleles (0.00031%); highest among the groups gnomAD compares: Admixed American, 0.0017%; no homozygotes.

Submission:

Juno Genomics, Hangzhou Juno Genomics, Inc
Classification: Uncertain significance for Epilepsy, idiopathic generalized, susceptibility to, 17. Review status: criteria provided, single submitter. Criteria: ACMG Guidelines, 2015. Collection method: clinical testing. Allele origin: germline.
Comment: Absent from controls (or at extremely low frequency if recessive) in Genome Aggregation Database.;Multiple lines of computational evidence support a deleterious effect on the gene or gene product.

NM_001194.4(HCN2):c.874G>A (p.Val292Met)

Gene: HCN2 (hyperpolarization activated cyclic nucleotide gated potassium and sodium channel 2; plus strand). Cytogenetic location: 19p13.3.
Variant type: single nucleotide variant.
Coding change: c.874G>A on transcript NM_001194.4 (MANE Select); coding-DNA position 874, G replaced by A.
Protein change: p.Val292Met; replaces valine 292 with methionine.
Molecular consequence: missense variant.
Genome position (GRCh38, 1-based): chr19:603,785, G>A. VCF-style: chr19-603785-G-A. GRCh37 (hg19) VCF-style: chr19-603785-G-A.
Other names: short protein forms V292M.
Identifiers: ClinVar variation 5006035 (VCV005006035.2).